The following is an entry in ClinVar:

ClinVar aggregate classification (germline): Likely pathogenic (1 of 4 stars; one submission).

Conditions:
Primary ciliary dyskinesia. Also called: Ciliary dyskinesia. Identifiers: Orphanet 244, MedGen C0008780, MONDO:0016575, HP:0012265.

Submission:

Labcorp Genetics (formerly Invitae), Labcorp
Classification: Likely pathogenic for Primary ciliary dyskinesia. Last evaluated: 2023-10-29. Review status: criteria provided, single submitter. Criteria: Invitae Variant Classification Sherloc (09022015). Collection method: clinical testing. Allele origin: germline.
Comment: This sequence change affects an acceptor splice site in intron 52 of the DNAH11 gene. It is expected to disrupt RNA splicing. Variants that disrupt the donor or acceptor splice site typically lead to a loss of protein function (PMID: 16199547), and loss-of-function variants in DNAH11 are known to be pathogenic (PMID: 18022865, 20513915, 22184204). This variant is not present in population databases (gnomAD no frequency). This variant has not been reported in the literature in individuals affected with DNAH11-related conditions. Algorithms developed to predict the effect of sequence changes on RNA splicing suggest that this variant may disrupt the consensus splice site. In summary, the currently available evidence indicates that the variant is pathogenic, but additional data are needed to prove that conclusively. Therefore, this variant has been classified as Likely Pathogenic.

Literature cited by the submitters: PubMed 16199547; PubMed 18022865; PubMed 20513915; PubMed 22184204.

NM_001277115.2(DNAH11):c.8674-1G>A

Gene: DNAH11 (dynein axonemal heavy chain 11; plus strand). Cytogenetic location: 7p15.3.
Variant type: single nucleotide variant.
Coding change: c.8674-1G>A on transcript NM_001277115.2 (MANE Select); the canonical splice acceptor site of the intron before coding-DNA position 8674, G replaced by A.
Molecular consequence: splice acceptor variant.
Genome position (GRCh38, 1-based): chr7:21,749,677, G>A. VCF-style: chr7-21749677-G-A. GRCh37 (hg19) VCF-style: chr7-21789295-G-A.
Identifiers: ClinVar variation 2820297 (VCV002820297.3), dbSNP rs2535134459, ClinGen allele CA366955641.